The following is an entry in ClinVar:

ClinVar aggregate classification (germline): Benign/Likely benign. Review status: criteria provided, multiple submitters, no conflicts (2 of 4 stars). 8 submissions from 7 submitters: Benign (6); Likely benign (2). Last evaluated 2026-01-31.

Conditions:
RASopathy. Also called: rasopathies; Noonan spectrum disorder. Identifiers: Orphanet 536391, MedGen C5555857, MONDO:0021060.
Fibromatosis, gingival, 1 (GINGF1). Identifiers: Orphanet 2024, MedGen C4551558, MONDO:0007609, OMIM 135300.
Noonan syndrome 4 (NS4). Also called: NOONAN SYNDROME WITH PIGMENTED VILLONODULAR SYNOVITIS; SOS1-Related Noonan Syndrome. Identifiers: Orphanet 648, MedGen C1853120, MONDO:0012547, OMIM 610733.

Allele frequency attached by ClinVar (database versions not stated): TOPMed 0.00041; ExAC 0.00046; gnomAD exomes 0.00046 and 0.00057; gnomAD 0.00048 and 0.00050; ESP Exome Variant Server 0.00096.

Submissions (8):

Labcorp Genetics (formerly Invitae), Labcorp
Classification: Benign for RASopathy. Last evaluated: 2026-01-31. Review status: criteria provided, single submitter. Criteria: Invitae Variant Classification Sherloc (09022015). Collection method: clinical testing. Allele origin: germline.

ARUP Laboratories, Molecular Genetics and Genomics, ARUP Laboratories
Classification: Benign. Last evaluated: 2025-03-31. Review status: criteria provided, single submitter. Criteria: ARUP Molecular Germline Variant Investigation Process 2024. Collection method: clinical testing. Allele origin: germline.

Blueprint Genetics
Classification: Likely benign. Last evaluated: 2024-10-30. Review status: criteria provided, single submitter. Criteria: ACMG Guidelines, 2015. Collection method: clinical testing. Allele origin: germline.

Women's Health and Genetics/Laboratory Corporation of America, LabCorp
Classification: Benign. Last evaluated: 2019-12-09. Review status: criteria provided, single submitter. Criteria: LabCorp Variant Classification Summary - May 2015. Collection method: clinical testing. Allele origin: germline.
Comment: Variant summary: SOS1 c.345+12_345+13dupCT alters a non-conserved nucleotide located close to a canonical splice site and therefore could affect mRNA splicing, leading to a significantly altered protein sequence. 5/5 computational tools predict no significant impact on normal splicing. However, these predictions have yet to be confirmed by functional studies. The variant allele was found at a frequency of 0.00046 in 250972 control chromosomes, predominantly at a frequency of 0.00087 within the Non-Finnish European subpopulation in the gnomAD database. The observed variant frequency within Non-Finnish European control individuals in the gnomAD database is approximately 29 fold of the estimated maximal expected allele frequency for a pathogenic variant in SOS1 causing Noonan Syndrome and Related Conditions phenotype (3e-05), strongly suggesting that the variant is a benign polymorphism found primarily in populations of Non-Finnish European origin. To our knowledge, no experimental evidence demonstrating its impact on protein function have been reported. No clinical diagnostic laboratories have submitted clinical-significance assessments for this variant to ClinVar after 2014. Based on the evidence outlined above, the variant was classified as benign.

GeneDx
Classification: Benign for Rasopathy. Last evaluated: 2014-04-07. Review status: criteria provided, single submitter. Criteria: GeneDx Variant Classification (06012015). Collection method: clinical testing. Allele origin: germline. Affected: yes.
Comment: The variant is found in NOONAN,CARDIOMYOPATHY panel(s).

Laboratory for Molecular Medicine, Mass General Brigham Personalized Medicine
Classification: Likely benign. Last evaluated: 2012-09-18. Review status: criteria provided, single submitter. Criteria: LMM Criteria. Collection method: clinical testing. Allele origin: germline. Observed: 2 variant alleles.
Comment: 345+12_345+13dupCT in intron 3 of SOS1: This variant is not expected to be clini cal significant because it is not located in the conserved region of the splicin g consensus sequence.

Genome-Nilou Lab
Classification: Benign for Noonan syndrome 4. Review status: criteria provided, single submitter. Criteria: ACMG Guidelines, 2015. Collection method: clinical testing. Allele origin: germline.

Genome-Nilou Lab
Classification: Benign for Fibromatosis, gingival, 1. Review status: criteria provided, single submitter. Criteria: ACMG Guidelines, 2015. Collection method: clinical testing. Allele origin: germline.

NM_005633.4(SOS1):c.345+12_345+13dup

Gene: SOS1 (SOS Ras/Rac guanine nucleotide exchange factor 1; minus strand). Cytogenetic location: 2p22.1.
Variant type: Duplication.
Coding change: c.345+12_345+13dup on transcript NM_005633.4 (MANE Select); bases 12 to 13 of the intron after coding-DNA position 345, 2 bases duplicated (CT; older notation c.345+12_345+13dupCT).
Molecular consequence: intron variant.
Genome position (GRCh38, 1-based): chr2:39,058,660-39,058,661, AG duplicated on the plus strand (CT on the coding strand, the reverse complement: SOS1 is on the minus strand). VCF-style (leftmost placement, unchanged base first): chr2-39058659-T-TAG. GRCh37 (hg19) VCF-style: chr2-39285800-T-TAG.
Other names: c.324+12_324+13dup (NM_001382394.1); c.345+12_345+13dup (NM_001382395.1); c.345+12_345+13dupCT (NM_005633.3).
Identifiers: ClinVar variation 45363 (VCV000045363.16), dbSNP rs397517167, ClinGen allele CA136139.
Genomic context (GRCh38, chr2:39,058,659, plus strand): 5'-TATATTCTTATTGTATAAAAATGGTGGGTTTTATTTTTCCCTTAAAAGGCAAGAAGGCAG[T>TAG]AGTTCAGCATTACCTTTAATAAAGGATGAATTTTTTCTACTGGGAGAGATAAAGGGTTTC-3'